The following is an entry in ClinVar:

ClinVar aggregate classification (germline): Uncertain significance. Review status: criteria provided, single submitter (1 of 4 stars). 2 submissions from 2 submitters: Uncertain significance (1). 1 of the submissions does not count toward it. Last evaluated 2025-11-19.

Conditions:
Inborn genetic diseases. Identifiers: MedGen C0950123, MeSH D030342.
PKD1-related disorder. Also called: PKD1-related condition.

gnomAD v4.1: 5 of 1,605,422 alleles (0.00031%); highest among the groups gnomAD compares: South Asian, 0.0033%; no homozygotes.

Submissions (2):

Ambry Genetics
Classification: Uncertain significance for Inborn genetic diseases. Last evaluated: 2025-11-19. Review status: criteria provided, single submitter. Criteria: Ambry Variant Classification Scheme 2023. Collection method: clinical testing. Allele origin: germline.

PreventionGenetics, part of Exact Sciences
Classification: Uncertain significance for PKD1-related condition. Last evaluated: 2024-03-22. Review status: no assertion criteria provided. Collection method: clinical testing. Allele origin: germline. Not counted in ClinVar's aggregate classification.
Comment: The PKD1 c.932C>T variant is predicted to result in the amino acid substitution p.Ser311Phe. To our knowledge, this variant has not been reported in the literature. This variant is reported in 0.011% of alleles in individuals of African descent in gnomAD. Although we suspect that this variant may be benign, at this time, the clinical significance of this variant is uncertain due to the absence of conclusive functional and genetic evidence.

NM_001009944.3(PKD1):c.932C>T (p.Ser311Phe)

Gene: PKD1 (polycystin 1, transient receptor potential channel interacting; minus strand). Cytogenetic location: 16p13.3.
Variant type: single nucleotide variant.
Coding change: c.932C>T on transcript NM_001009944.3 (MANE Select); coding-DNA position 932, C replaced by T.
Protein change: p.Ser311Phe; replaces serine 311 with phenylalanine.
Molecular consequence: missense variant.
Genome position (GRCh38, 1-based): chr16:2,118,060, G>A on the plus strand (C>T on the coding strand, the complement: PKD1 is on the minus strand). VCF-style: chr16-2118060-G-A. GRCh37 (hg19) VCF-style: chr16-2168061-G-A.
Other names: c.932C>T (NM_000296.3); c.932C>T, p.Ser311Phe (NM_000296.4); short protein forms S311F.
Identifiers: ClinVar variation 3350110 (VCV003350110.2).
Genomic context (GRCh38, chr16:2,118,060, plus strand): 5'-TAGCGCCCAGGCAGCACATAGCGATGCGAGGCAGCCGGCCCAGCGGCATCCACCTCGGCG[G>A]AGCCGTCTCCGAAGTCCCAGCGTGTGGCAGTGACAGGGAGCGGGGCAGCGATGTGGAAGG-3'
Protein context (NP_001009944.3, residues 301-321): TATRWDFGDG[Ser311Phe]AEVDAAGPAA